The following is an entry in ClinVar:

NM_017777.4(MKS1):c.191-44G>A

Gene: MKS1 (MKS transition zone complex subunit 1; minus strand). Cytogenetic location: 17q22.
Variant type: single nucleotide variant.
Coding change: c.191-44G>A on transcript NM_017777.4 (MANE Select); 44 bases into the intron before coding-DNA position 191, G replaced by A.
Molecular consequence: intron variant.
Genome position (GRCh38, 1-based): chr17:58,216,780, C>T on the plus strand (G>A on the coding strand, the complement: MKS1 is on the minus strand). VCF-style: chr17-58216780-C-T. GRCh37 (hg19) VCF-style: chr17-56294141-C-T.
Other names: NM_001165927.1:c.161-44G>A; c.-321-44G>A (NM_001321268.2); c.191-44G>A (NM_001330397.2, NM_001321269.2).
Identifiers: ClinVar variation 126273 (VCV000126273.11), dbSNP rs73329636, ClinGen allele CA150938.
Genomic context (GRCh38, chr17:58,216,780, plus strand): 5'-CTCTGGGCGGTGTCCACCTCCAAAGACAACAGAGTGAATCAAATGCTTGAGCCAAACCAG[C>T]ACCACTTCTTGTTCTGTGGTTTATTATAACCAAAGTCCCTATTCTTATATTTGCCACAAA-3'

ClinVar aggregate classification (germline): Benign. Review status: criteria provided, multiple submitters, no conflicts (2 of 4 stars). 6 submissions from 5 submitters: Benign (5). 1 of the submissions does not count toward it. Last evaluated 2021-06-10.

Conditions:
Joubert syndrome 28 (JBTS28). Identifiers: MedGen C4310705, MONDO:0014928, OMIM 617121.
Bardet-Biedl syndrome 13 (BBS13). Identifiers: Orphanet 110, MedGen C2673873, MONDO:0014441, OMIM 615990.

Allele frequency attached by ClinVar (database versions not stated): gnomAD exomes 0.03727 and 0.03008; gnomAD 0.06342 and 0.06658; 1000 Genomes Project 30x 0.06371; ExAC 0.04067; ESP Exome Variant Server 0.06604; TOPMed 0.06849; 1000 Genomes Project 0.06030.
gnomAD v4.1: 53,216 of 1,584,240 alleles (3.4%); highest among the groups gnomAD compares: African/African-American, 16%; 1,573 homozygotes.

Submissions (6):

Genome-Nilou Lab
Classification: Benign for Bardet-Biedl syndrome 13. Last evaluated: 2021-06-10. Review status: criteria provided, single submitter. Criteria: ACMG Guidelines, 2015. Collection method: clinical testing. Allele origin: germline. Affected: no.

Genome-Nilou Lab
Classification: Benign for Joubert syndrome 28. Last evaluated: 2021-06-10. Review status: criteria provided, single submitter. Criteria: ACMG Guidelines, 2015. Collection method: clinical testing. Allele origin: germline. Affected: no.

GeneDx
Classification: Benign. Last evaluated: 2018-06-16. Review status: criteria provided, single submitter. Criteria: GeneDx Variant Classification (06012015). Collection method: clinical testing. Allele origin: germline. Affected: yes.
Comment: This variant is considered likely benign or benign based on one or more of the following criteria: it is a conservative change, it occurs at a poorly conserved position in the protein, it is predicted to be benign by multiple in silico algorithms, and/or has population frequency not consistent with disease.

Breakthrough Genomics
Classification: Benign. Review status: criteria provided, single submitter. Criteria: ACMG Guidelines, 2015. Collection method: not provided. Allele origin: germline. Inheritance: Autosomal recessive inheritance. Affected: yes.

PreventionGenetics, part of Exact Sciences
Classification: Benign. Review status: criteria provided, single submitter. Criteria: ACMG Guidelines, 2015. Collection method: clinical testing. Allele origin: germline.

Genetic Services Laboratory, University of Chicago
Classification: Likely benign for AllHighlyPenetrant. Review status: no assertion criteria provided. Collection method: clinical testing. Allele origin: germline. Inheritance: Autosomal recessive inheritance. Observed: 26 variant alleles. Not counted in ClinVar's aggregate classification.
Comment: Likely benign based on allele frequency in 1000 Genomes Project or ESP global frequency and its presence in a patient with a rare or unrelated disease phenotype. NOT Sanger confirmed.